The following is an entry in ClinVar:

ClinVar aggregate classification (germline): Uncertain significance. Review status: criteria provided, multiple submitters, no conflicts (2 of 4 stars). 2 submissions from 2 submitters: Uncertain significance (2). Last evaluated 2023-05-13.

Conditions:
Hereditary cancer-predisposing syndrome. Also called: Neoplastic Syndromes, Hereditary; Tumor predisposition; Hereditary Cancer Syndrome; Hereditary neoplastic syndrome. Identifiers: Orphanet 140162, MedGen C0027672, MeSH D009386, MONDO:0015356.
Tuberous sclerosis 2 (TSC2). Identifiers: Orphanet 805, MedGen C1860707, MONDO:0013199, OMIM 613254.

Allele frequency attached by ClinVar (database versions not stated): TOPMed below 0.00001.

Submissions (2):

Labcorp Genetics (formerly Invitae), Labcorp
Classification: Uncertain significance for Tuberous sclerosis 2. Last evaluated: 2023-05-13. Review status: criteria provided, single submitter. Criteria: Invitae Variant Classification Sherloc (09022015). Collection method: clinical testing. Allele origin: germline.
Comment: This sequence change replaces leucine, which is neutral and non-polar, with phenylalanine, which is neutral and non-polar, at codon 183 of the TSC2 protein (p.Leu183Phe). This variant is not present in population databases (gnomAD no frequency). This variant has not been reported in the literature in individuals affected with TSC2-related conditions. ClinVar contains an entry for this variant (Variation ID: 535997). Advanced modeling of protein sequence and biophysical properties (such as structural, functional, and spatial information, amino acid conservation, physicochemical variation, residue mobility, and thermodynamic stability) performed at Invitae indicates that this missense variant is not expected to disrupt TSC2 protein function. Algorithms developed to predict the effect of sequence changes on RNA splicing suggest that this variant may create or strengthen a splice site. In summary, the available evidence is currently insufficient to determine the role of this variant in disease. Therefore, it has been classified as a Variant of Uncertain Significance.

Ambry Genetics
Classification: Uncertain significance for Hereditary cancer-predisposing syndrome. Last evaluated: 2023-02-23. Review status: criteria provided, single submitter. Criteria: Ambry Variant Classification Scheme 2023. Collection method: clinical testing. Allele origin: germline.
Comment: The p.L183F variant (also known as c.549G>C), located in coding exon 5 of the TSC2 gene, results from a G to C substitution at nucleotide position 549. The leucine at codon 183 is replaced by phenylalanine, an amino acid with highly similar properties. This amino acid position is conserved. In addition, this alteration is predicted to be deleterious by in silico analysis. Since supporting evidence is limited at this time, the clinical significance of this alteration remains unclear.

NM_000548.5(TSC2):c.549G>C (p.Leu183Phe)

Gene: TSC2 (TSC complex subunit 2; plus strand). Cytogenetic location: 16p13.3.
Variant type: single nucleotide variant.
Coding change: c.549G>C on transcript NM_000548.5 (MANE Select); coding-DNA position 549, G replaced by C.
Protein change: p.Leu183Phe; replaces leucine 183 with phenylalanine.
Molecular consequence: missense variant. On other transcripts: intron variant (1).
Genome position (GRCh38, 1-based): chr16:2,055,469, G>C. VCF-style: chr16-2055469-G-C. GRCh37 (hg19) VCF-style: chr16-2105470-G-C.
Other names: c.549G>C, p.Leu183Phe (NM_001077183.3, NM_001114382.3, NM_001363528.2 and 3 more transcripts); c.438G>C, p.Leu146Phe (NM_001318827.2); c.402G>C, p.Leu134Phe (NM_001318829.2); c.582G>C, p.Leu194Phe (NM_001318832.2); c.-1-727G>C (NM_001318831.2); short protein forms L183F, L194F, L134F, L146F.
Identifiers: ClinVar variation 535997 (VCV000535997.10), dbSNP rs1415519717, ClinGen allele CA394309485.
Genomic context (GRCh38, chr16:2,055,469, plus strand): 5'-TGTCCTGCAGTGGATGGATGTTGGCTTGTCCTCGGAATTCCTTCTGGTGCTGGTGAACTT[G>C]GTCAAATTCAATAGCTGTTACCTCGACGAGTACATCGCAAGGATGGTTCAGTAAGAAAAG-3'
Protein context (NP_000539.2, residues 173-193): SSEFLLVLVN[Leu183Phe]VKFNSCYLDE